The following is an entry in ClinVar:

NM_002439.5(MSH3):c.979T>A (p.Ser327Thr)

Genes: MSH3 (mutS homolog 3; plus strand), LOC126807437 (MED14-independent group 3 enhancer GRCh37_chr5:79968379-79969578; plus strand). Cytogenetic location: 5q14.1.
Variant type: single nucleotide variant.
Coding change: c.979T>A on transcript NM_002439.5 (MANE Select); coding-DNA position 979, T replaced by A.
Protein change: p.Ser327Thr; replaces serine 327 with threonine.
Molecular consequence: missense variant.
Genome position (GRCh38, 1-based): chr5:80,672,810, T>A. VCF-style: chr5-80672810-T-A. GRCh37 (hg19) VCF-style: chr5-79968629-T-A.
Other names: short protein forms S327T.
Identifiers: ClinVar variation 967500 (VCV000967500.13), dbSNP rs776158265, ClinGen allele CA3327757.
Genomic context (GRCh38, chr5:80,672,810, plus strand): 5'-GTGAAGCAAACTGAAACTGCAGCATTAAAGGCCATTGGAGACAACAGAAGTTCACTCTTT[T>A]CCCGGAAATTGACTGCCCTTTATACAAAATCTACACTTATTGGAGAAGATATCCTTTTTG-3'
Protein context (NP_002430.3, residues 317-337): AIGDNRSSLF[Ser327Thr]RKLTALYTKS

ClinVar aggregate classification (germline): Uncertain significance. Review status: criteria provided, multiple submitters, no conflicts (2 of 4 stars). 2 submissions from 2 submitters: Uncertain significance (2). Last evaluated 2024-10-24.

Conditions:
Hereditary cancer-predisposing syndrome. Also called: Hereditary neoplastic syndrome; Neoplastic Syndromes, Hereditary; Hereditary Cancer Syndrome; Tumor predisposition. Identifiers: Orphanet 140162, MedGen C0027672, MeSH D009386, MONDO:0015356.

Allele frequency attached by ClinVar (database versions not stated): gnomAD exomes below 0.00001; ExAC 0.00001.
gnomAD v4.1: 1 of 1,614,164 alleles (0.000062%); highest among the groups gnomAD compares: Non-Finnish European, 0.000085%; no homozygotes.

Submissions (2):

Ambry Genetics
Classification: Uncertain significance for Hereditary cancer-predisposing syndrome. Last evaluated: 2024-10-24. Review status: criteria provided, single submitter. Criteria: Ambry Variant Classification Scheme 2023. Collection method: clinical testing. Allele origin: germline.
Comment: The p.S327T variant (also known as c.979T>A), located in coding exon 6 of the MSH3 gene, results from a T to A substitution at nucleotide position 979. The serine at codon 327 is replaced by threonine, an amino acid with similar properties. This amino acid position is conserved. In addition, this alteration is predicted to be tolerated by in silico analysis. Since supporting evidence is limited at this time, the clinical significance of this alteration remains unclear.

Labcorp Genetics (formerly Invitae), Labcorp
Classification: Uncertain significance. Last evaluated: 2023-09-11. Review status: criteria provided, single submitter. Criteria: Invitae Variant Classification Sherloc (09022015). Collection method: clinical testing. Allele origin: germline.
Comment: This variant is present in population databases (rs776158265, gnomAD 0.0009%). This sequence change replaces serine, which is neutral and polar, with threonine, which is neutral and polar, at codon 327 of the MSH3 protein (p.Ser327Thr). In summary, the available evidence is currently insufficient to determine the role of this variant in disease. Therefore, it has been classified as a Variant of Uncertain Significance. Algorithms developed to predict the effect of missense changes on protein structure and function output the following: SIFT: "Not Available"; PolyPhen-2: "Benign"; Align-GVGD: "Not Available". The threonine amino acid residue is found in multiple mammalian species, which suggests that this missense change does not adversely affect protein function. ClinVar contains an entry for this variant (Variation ID: 967500). This variant has not been reported in the literature in individuals affected with MSH3-related conditions.